The following is an entry in ClinVar:

ClinVar aggregate classification (germline): Uncertain significance (1 of 4 stars; one submission).

Conditions:
Idiopathic generalized epilepsy. Also called: Generalised epilepsy; EIG. Identifiers: MedGen C0270850, MONDO:0005579, OMIM 600669.

Submission:

Labcorp Genetics (formerly Invitae), Labcorp
Classification: Uncertain significance for Idiopathic generalized epilepsy. Last evaluated: 2024-03-22. Review status: criteria provided, single submitter. Criteria: Invitae Variant Classification Sherloc (09022015). Collection method: clinical testing. Allele origin: germline.
Comment: This sequence change falls in intron 2 of the RBFOX1 gene. It does not directly change the encoded amino acid sequence of the RBFOX1 protein. It affects a nucleotide within the consensus splice site. This variant is not present in population databases (gnomAD no frequency). This variant has not been reported in the literature in individuals affected with RBFOX1-related conditions. Variants that disrupt the consensus splice site are a relatively common cause of aberrant splicing (PMID: 17576681, 9536098). Algorithms developed to predict the effect of sequence changes on RNA splicing suggest that this variant may disrupt the consensus splice site. In summary, the available evidence is currently insufficient to determine the role of this variant in disease. Therefore, it has been classified as a Variant of Uncertain Significance.

Literature cited by the submitters: PubMed 17576681; PubMed 9536098.

NM_018723.4(RBFOX1):c.270+2dup

Gene: RBFOX1 (RNA binding fox-1 homolog 1; plus strand). Cytogenetic location: 16p13.3.
Variant type: Duplication.
Coding change: c.270+2dup on transcript NM_018723.4 (MANE Select); the canonical splice donor site of the intron after coding-DNA position 270, one base duplicated (T; older notation c.270+2dupT).
Molecular consequence: splice donor variant.
Genome position (GRCh38, 1-based): chr16:7,518,391, T duplicated. VCF-style (leftmost placement, unchanged base first): chr16-7518390-G-GT. GRCh37 (hg19) VCF-style: chr16-7568392-G-GT.
Other names: c.345+2dup (NM_001415905.1, NM_001415890.1, NM_001415901.1 and 4 more transcripts); c.330+2dup (NM_001415904.1, NM_001415896.1, NM_145893.3 and 4 more transcripts); c.276+2dup (NM_001415911.1, NM_001415902.1, NM_001415917.1); c.867+2dup (NM_001415887.1, NM_001415888.1); c.270+2dup (NM_001364800.2, NM_001142333.2, NM_001415916.1 and 1 more transcripts); c.399+2dup (NM_001415895.1, NM_001415891.1, NM_001415907.1 and 5 more transcripts); c.378+2dup (NM_001415889.1, NM_001415898.1, NM_001415894.1 and 5 more transcripts).
Identifiers: ClinVar variation 3646118 (VCV003646118.2).
Genomic context (GRCh38, chr16:7,518,390, plus strand): 5'-ACGCACTCCGAGCAGAGCCCGGCGGACACGAGCGCTCAGACCGTCTCTGGCACCGCCACA[G>GT]TAAGTGGACGTGTTTGCTACGGGTGGGAGGTTATGGGGAGGCGCCCCCAGCCCTGGTAAT-3'